The following is an entry in ClinVar:

ClinVar aggregate classification (germline): Uncertain significance (1 of 4 stars; one submission).

Conditions:
Primary ciliary dyskinesia. Also called: Ciliary dyskinesia. Identifiers: Orphanet 244, MedGen C0008780, MONDO:0016575, HP:0012265.

Submission:

Labcorp Genetics (formerly Invitae), Labcorp
Classification: Uncertain significance for Primary ciliary dyskinesia. Last evaluated: 2022-02-11. Review status: criteria provided, single submitter. Criteria: Invitae Variant Classification Sherloc (09022015). Collection method: clinical testing. Allele origin: germline.
Comment: In summary, the available evidence is currently insufficient to determine the role of this variant in disease. Therefore, it has been classified as a Variant of Uncertain Significance. This sequence change replaces glycine, which is neutral and non-polar, with tryptophan, which is neutral and slightly polar, at codon 946 of the RPGR (ORF15) protein (p.Gly946Trp). The frequency data for this variant in the population databases is considered unreliable, as metrics indicate insufficient coverage at this position in the gnomAD database. This variant has not been reported in the literature in individuals affected with RPGR (ORF15)-related conditions. Experimental studies and prediction algorithms are not available or were not evaluated, and the functional significance of this variant is currently unknown.

NM_001034853.2(RPGR):c.2836G>T (p.Gly946Trp)

Gene: RPGR (retinitis pigmentosa GTPase regulator; minus strand). Cytogenetic location: Xp11.4.
Variant type: single nucleotide variant.
Coding change: c.2836G>T on transcript NM_001034853.2 (MANE Select); coding-DNA position 2836, G replaced by T.
Protein change: p.Gly946Trp; replaces glycine 946 with tryptophan.
Molecular consequence: missense variant. On other transcripts: intron variant (8).
Genome position (GRCh38, 1-based): chrX:38,286,163, C>A on the plus strand (G>T on the coding strand, the complement: RPGR is on the minus strand). VCF-style: chrX-38286163-C-A. GRCh37 (hg19) VCF-style: chrX-38145416-C-A.
Other names: c.1569+4796G>T (NM_001367249.1, NM_001367250.1); c.1902+931G>T (NM_001367245.1); c.1386+4796G>T (NM_001367251.1); c.1719+931G>T (NM_001367246.1); c.1572+4796G>T (NM_001367247.1); c.1905+931G>T (NM_000328.3); c.1602+4796G>T (NM_001367248.1); short protein forms G946W.
Identifiers: ClinVar variation 2156468 (VCV002156468.4), dbSNP rs1333338518, ClinGen allele CA412729662.